The following is an entry in ClinVar:

NM_012472.6(DNAAF11):c.1A>G (p.Met1Val)

Gene: DNAAF11 (dynein axonemal assembly factor 11; minus strand). Cytogenetic location: 8q24.22.
Variant type: single nucleotide variant.
Coding change: c.1A>G on transcript NM_012472.6 (MANE Select); coding-DNA position 1, A replaced by G.
Protein change: p.Met1Val; changes the start codon (methionine 1).
Molecular consequence: missense variant, initiator codon variant. On other transcripts: 5 prime UTR variant (4), non-coding transcript variant (10).
Genome position (GRCh38, 1-based): chr8:132,675,493, T>C on the plus strand (A>G on the coding strand, the complement: DNAAF11 is on the minus strand). VCF-style: chr8-132675493-T-C. GRCh37 (hg19) VCF-style: chr8-133687739-T-C.
Other names: c.1A>G, p.Met1Val (NM_001321961.2, NM_001321962.2); c.-920A>G (NM_001321963.2); c.-1286A>G (NM_001321964.2); c.-1599A>G (NM_001321965.2); c.-570A>G (NM_001321966.2); short protein forms M1V.
Identifiers: ClinVar variation 2421581 (VCV002421581.6), dbSNP rs2538396993, ClinGen allele CA372296489.

ClinVar aggregate classification (germline): Pathogenic (1 of 4 stars; one submission).

Conditions:
Primary ciliary dyskinesia 19. Also called: CILIARY DYSKINESIA, PRIMARY, 19, WITH OR WITHOUT SITUS INVERSUS. Identifiers: Orphanet 244, MedGen C3543826, MONDO:0013979, OMIM 614935.

Submission:

Labcorp Genetics (formerly Invitae), Labcorp
Classification: Pathogenic for Primary ciliary dyskinesia 19. Last evaluated: 2021-12-03. Review status: criteria provided, single submitter. Criteria: Invitae Variant Classification Sherloc (09022015). Collection method: clinical testing. Allele origin: germline.
Comment: This sequence change affects the initiator methionine of the LRRC6 mRNA. The next in-frame methionine is located at codon 121. This variant is not present in population databases (gnomAD no frequency). This variant has not been reported in the literature in individuals affected with LRRC6-related conditions. This variant disrupts a region of the LRRC6 protein in which other variant(s) (p.Ile100Thr) have been determined to be pathogenic (PMID: 27637300; Invitae). This suggests that this is a clinically significant region of the protein, and that variants that disrupt it are likely to be disease-causing. For these reasons, this variant has been classified as Pathogenic.

Literature cited by the submitters: PubMed 27637300.